The following is an entry in ClinVar:

NM_199355.4(ADAMTS18):c.1615-7A>C

Gene: ADAMTS18 (ADAM metallopeptidase with thrombospondin type 1 motif 18; minus strand). Cytogenetic location: 16q23.1.
Variant type: single nucleotide variant.
Coding change: c.1615-7A>C on transcript NM_199355.4 (MANE Select); 7 bases into the intron before coding-DNA position 1615, A replaced by C.
Molecular consequence: intron variant.
Genome position (GRCh38, 1-based): chr16:77,341,806, T>G on the plus strand (A>C on the coding strand, the complement: ADAMTS18 is on the minus strand). VCF-style: chr16-77341806-T-G. GRCh37 (hg19) VCF-style: chr16-77375703-T-G.
Other names: c.1615-7A>C (NM_199355.3); c.1099-7A>C (NM_001326358.2).
Identifiers: ClinVar variation 4722576 (VCV004722576.2).

ClinVar aggregate classification (germline): Likely benign. Review status: criteria provided, multiple submitters, no conflicts (2 of 4 stars). 2 submissions from 2 submitters: Likely benign (2). Last evaluated 2026-01-03.

Conditions:
ADAMTS18-related disorder. Also called: ADAMTS18-related condition.

Submissions (2):

Labcorp Genetics (formerly Invitae), Labcorp
Classification: Likely benign. Last evaluated: 2026-01-03. Review status: criteria provided, single submitter. Criteria: Invitae Variant Classification Sherloc (09022015). Collection method: clinical testing. Allele origin: germline.

PreventionGenetics, part of Exact Sciences
Classification: Likely benign for ADAMTS18-related condition. Last evaluated: 2024-10-28. Review status: criteria provided, single submitter. Criteria: ACMG Guidelines, 2015. Collection method: clinical testing. Allele origin: germline.
Comment: This variant is classified as likely benign based on ACMG/AMP sequence variant interpretation guidelines (Richards et al. 2015 PMID: 25741868, with internal and published modifications).